The following is an entry in ClinVar:

ClinVar aggregate classification (germline): Uncertain significance (1 of 4 stars; one submission).

gnomAD v4.1: 4 of 1,568,114 alleles (0.00026%); highest among the groups gnomAD compares: Non-Finnish European, 0.00035%; no homozygotes.

Submission:

GeneDx
Classification: Uncertain significance. Last evaluated: 2025-09-21. Review status: criteria provided, single submitter. Criteria: GeneDx Variant Classification Process June 2021. Collection method: clinical testing. Allele origin: germline.
Comment: Not observed at significant frequency in large population cohorts (gnomAD); In silico analysis suggests that this missense variant does not alter protein structure/function; Has not been previously published as pathogenic or benign to our knowledge

NM_002805.6(PSMC5):c.733A>G (p.Ile245Val)

Gene: PSMC5 (proteasome 26S subunit, ATPase 5; plus strand). Cytogenetic location: 17q23.3.
Variant type: single nucleotide variant.
Coding change: c.733A>G on transcript NM_002805.6 (MANE Select); coding-DNA position 733, A replaced by G.
Protein change: p.Ile245Val; replaces isoleucine 245 with valine.
Molecular consequence: missense variant.
Genome position (GRCh38, 1-based): chr17:63,831,089, A>G. VCF-style: chr17-63831089-A-G. GRCh37 (hg19) VCF-style: chr17-61908449-A-G.
Other names: c.709A>G, p.Ile237Val (NM_001199163.2); short protein forms I237V, I245V.
Identifiers: ClinVar variation 3602995 (VCV003602995.2).